The following is an entry in ClinVar:

ClinVar aggregate classification (germline): Benign/Likely benign. Review status: criteria provided, multiple submitters, no conflicts (2 of 4 stars). 4 submissions from 4 submitters: Benign (1); Likely benign (2). 1 of the submissions does not count toward it. Last evaluated 2026-01-28.

Conditions:
FKBP10-related disorder. Also called: FKBP10-related condition.

Submissions (4):

Labcorp Genetics (formerly Invitae), Labcorp
Classification: Benign. Last evaluated: 2026-01-28. Review status: criteria provided, single submitter. Criteria: Invitae Variant Classification Sherloc (09022015). Collection method: clinical testing. Allele origin: germline.

Blueprint Genetics
Classification: Likely benign. Last evaluated: 2024-10-29. Review status: criteria provided, single submitter. Criteria: ACMG Guidelines, 2015. Collection method: clinical testing. Allele origin: germline.

GeneDx
Classification: Likely benign. Last evaluated: 2018-06-21. Review status: criteria provided, single submitter. Criteria: GeneDx Variant Classification Process June 2021. Collection method: clinical testing. Allele origin: germline. Affected: yes.

PreventionGenetics, part of Exact Sciences
Classification: Likely benign for FKBP10-related condition. Last evaluated: 2024-07-28. Review status: no assertion criteria provided. Collection method: clinical testing. Allele origin: germline. Not counted in ClinVar's aggregate classification.
Comment: This variant is classified as likely benign based on ACMG/AMP sequence variant interpretation guidelines (Richards et al. 2015 PMID: 25741868, with internal and published modifications).

NM_021939.4(FKBP10):c.246-3dup

Gene: FKBP10 (FKBP prolyl isomerase 10; plus strand). Cytogenetic location: 17q21.2.
Variant type: Duplication.
Coding change: c.246-3dup on transcript NM_021939.4 (MANE Select); 3 bases into the intron before coding-DNA position 246, one base duplicated (C; older notation c.246-3dupC).
Molecular consequence: intron variant.
Genome position (GRCh38, 1-based): chr17:41,817,055, C duplicated; the last of 8 consecutive C bases (chr17:41,817,048-41,817,055); duplicating any one gives the same sequence. VCF-style (leftmost placement, unchanged base first): chr17-41817047-T-TC. GRCh37 (hg19) VCF-style: chr17-39973299-T-TC.
Other names: c.246-3dupC (NM_021939.3).
Identifiers: ClinVar variation 1187397 (VCV001187397.13), dbSNP rs781920419, ClinGen allele CA8566165.
Genomic context (GRCh38, chr17:41,817,047, plus strand): 5'-GCATCTGTGCCACCATGGGCAGTGTGTGTGTGTCTGAGGTCACTGTATCCCATCTGTCCC[T>TC]CCCCCCCCAGCTATGATCGCAACACCTTGGTGGCCATCGTGGTGGGTGTGGGGCGCCTCA-3'